The following is an entry in ClinVar:

NM_000533.5(PLP1):c.425dup (p.Leu142fs)

Genes: PLP1 (proteolipid protein 1; plus strand), RAB9B (RAB9B, member RAS oncogene family; minus strand). Cytogenetic location: Xq22.2.
Variant type: Duplication.
Coding change: c.425dup on transcript NM_000533.5 (MANE Select); coding-DNA position 425, one base duplicated (T; older notation c.425dupT).
Protein change: p.Leu142fs; shifts the reading frame from leucine 142.
Molecular consequence: frameshift variant. On other transcripts: intron variant (1).
Genome position (GRCh38, 1-based): chrX:103,786,698, T duplicated; the last of 3 consecutive T bases (chrX:103,786,696-103,786,698); duplicating any one gives the same sequence. VCF-style (leftmost placement, unchanged base first): chrX-103786695-G-GT. GRCh37 (hg19) VCF-style: chrX-103041624-G-GT.
Other names: c.425dup, p.Leu142fs (NM_001128834.3); c.260dup, p.Leu87fs (NM_001305004.1); c.348+77dup (NM_199478.3); short protein forms L142fs, L87fs.
Identifiers: ClinVar variation 3338067 (VCV003338067.1).

ClinVar aggregate classification (germline): Likely pathogenic (0 of 4 stars; one submission).

Conditions:
Pelizaeus-Merzbacher disease. Also called: Pelizeaus-Merzbacher spectrum disorder; Sudanophilic leukodystrophy; Pelizaeus-Merzbacher spectrum disorder; Pelizaeus-Merzbacher Disease (PMD); LEUKODYSTROPHY, HYPOMYELINATING, 1. Identifiers: Orphanet 702, MedGen C0205711, MONDO:0010714, OMIM 312080, HP:0003269.

Submission:

Solve-RD Consortium
Classification: Likely pathogenic for Pelizaeus-Merzbacher disease. Last evaluated: 2022-06-01. Review status: no assertion criteria provided. Collection method: provider interpretation. Allele origin: inherited. Affected: yes.
Comment: Variant confirmed as disease-causing by referring clinical team

Variant identified during reanalysis of unsolved cases by the Solve-RD project. The Solve-RD project has received funding from the European Union’s Horizon 2020 research and innovation programme under grant agreement No 779257.

Literature cited by the submitters: PubMed 39825153.